The following is an entry in ClinVar:

NM_001166108.2(PALLD):c.1965-12627A>C

Gene: PALLD (palladin, cytoskeletal associated protein; plus strand). Cytogenetic location: 4q32.3.
Variant type: single nucleotide variant.
Coding change: c.1965-12627A>C on transcript NM_001166108.2 (MANE Select); 12627 bases into the intron before coding-DNA position 1965, A replaced by C.
Molecular consequence: intron variant. On other transcripts: missense variant (1).
Genome position (GRCh38, 1-based): chr4:168,878,295, A>C. VCF-style: chr4-168878295-A-C. GRCh37 (hg19) VCF-style: chr4-169799446-A-C.
Other names: c.404A>C, p.His135Pro (NM_001166110.2); c.1965-12627A>C (NM_016081.4); c.819-12627A>C (NM_001166109.2); c.-157-12627A>C (NM_001367570.1, NM_001367568.1, NM_001367567.1 and 1 more transcripts); c.404A>C (NM_001166110.1); short protein forms H135P.
Identifiers: ClinVar variation 2852146 (VCV002852146.4), dbSNP rs1259061725, ClinGen allele CA358796608.

ClinVar aggregate classification (germline): Uncertain significance. Review status: criteria provided, multiple submitters, no conflicts (2 of 4 stars). 2 submissions from 2 submitters: Uncertain significance (2). Last evaluated 2026-06-03.

Conditions:
Pancreatic adenocarcinoma. Identifiers: MedGen C0281361, MONDO:0006047, HP:0006725.

Allele frequency attached by ClinVar (database versions not stated): TOPMed below 0.00001; gnomAD 0.00001; gnomAD exomes 0.00001.
gnomAD v4.1: 16 of 1,527,302 alleles (0.001%); highest among the groups gnomAD compares: Non-Finnish European, 0.0014%; no homozygotes.

Submissions (2):

Ambry Genetics
Classification: Uncertain significance. Last evaluated: 2026-06-03. Review status: criteria provided, single submitter. Criteria: Ambry Variant Classification Scheme 2023. Collection method: clinical testing. Allele origin: germline.
Comment: The p.H135P variant (also known as c.404A>C), located in coding exon 1 of the PALLD gene, results from an A to C substitution at nucleotide position 404. The histidine at codon 135 is replaced by proline, an amino acid with similar properties. This amino acid position is conserved. In addition, this alteration is predicted to be tolerated by in silico analysis. Based on the available evidence, the clinical significance of this variant remains unclear.

Labcorp Genetics (formerly Invitae), Labcorp
Classification: Uncertain significance for Pancreatic adenocarcinoma. Last evaluated: 2023-10-06. Review status: criteria provided, single submitter. Criteria: Invitae Variant Classification Sherloc (09022015). Collection method: clinical testing. Allele origin: germline.
Comment: This sequence change replaces histidine, which is basic and polar, with proline, which is neutral and non-polar, at codon 135 of the PALLD protein (p.His135Pro). This variant is present in population databases (no rsID available, gnomAD 0.002%). This variant has not been reported in the literature in individuals affected with PALLD-related conditions. An algorithm developed to predict the effect of missense changes on protein structure and function (PolyPhen-2) suggests that this variant is likely to be tolerated. In summary, the available evidence is currently insufficient to determine the role of this variant in disease. Therefore, it has been classified as a Variant of Uncertain Significance.